The following is an entry in ClinVar:

NM_006393.3(NEBL):c.2445G>A (p.Val815=)

Gene: NEBL (nebulette; minus strand). Cytogenetic location: 10p12.31.
Variant type: single nucleotide variant.
Coding change: c.2445G>A on transcript NM_006393.3 (MANE Select); coding-DNA position 2445, G replaced by A.
Protein change: p.Val815=; no amino-acid change (valine 815 retained).
Molecular consequence: synonymous variant.
Genome position (GRCh38, 1-based): chr10:20,812,842, C>T on the plus strand (G>A on the coding strand, the complement: NEBL is on the minus strand). VCF-style: chr10-20812842-C-T. GRCh37 (hg19) VCF-style: chr10-21101771-C-T.
Other names: c.456G>A, p.Val152= (NM_001173484.2, NM_001377322.1, NM_213569.2); c.408G>A, p.Val136= (NM_001377323.1); c.399G>A, p.Val133= (NM_001377324.1); c.390G>A, p.Val130= (NM_001377325.1); c.348G>A, p.Val116= (NM_001377326.1, NM_001377327.1, NM_001377328.1).
Identifiers: ClinVar variation 164740 (VCV000164740.17), dbSNP rs578252294, ClinGen allele CA177420.

ClinVar aggregate classification (germline): Likely benign. Review status: criteria provided, multiple submitters, no conflicts (2 of 4 stars). 3 submissions from 3 submitters: Likely benign (3). Last evaluated 2026-01-14.

Conditions:
Primary dilated cardiomyopathy (DCM). Also called: Dilated Cardiomyopathy. Identifiers: Orphanet 217604, MedGen C0007193, MeSH D002311, MONDO:0005021, HP:0001644. Inheritance: Various modes of inheritance.

Allele frequency attached by ClinVar (database versions not stated): ExAC 0.00002; TOPMed 0.00003; gnomAD 0.00004 and 0.00005.
gnomAD v4.1: 29 of 1,614,040 alleles (0.0018%); highest among the groups gnomAD compares: African/African-American, 0.0053%; no homozygotes.

Submissions (3):

Labcorp Genetics (formerly Invitae), Labcorp
Classification: Likely benign for Primary dilated cardiomyopathy. Last evaluated: 2026-01-14. Review status: criteria provided, single submitter. Criteria: Invitae Variant Classification Sherloc (09022015). Collection method: clinical testing. Allele origin: germline.

Ambry Genetics
Classification: Likely benign. Last evaluated: 2022-06-06. Review status: criteria provided, single submitter. Criteria: Ambry Variant Classification Scheme 2023. Collection method: clinical testing. Allele origin: germline.

Laboratory for Molecular Medicine, Mass General Brigham Personalized Medicine
Classification: Likely benign. Last evaluated: 2014-07-10. Review status: criteria provided, single submitter. Criteria: LMM Criteria. Collection method: clinical testing. Allele origin: germline. Observed: 1 variant allele.
Comment: Val815Val in exon 24 of NEBL: This variant is not expected to have clinical sign ificance because it does not alter an amino acid residue and is not located with in the splice consensus sequence.